The following is an entry in ClinVar:

NM_001754.5(RUNX1):c.58+20G>A

Gene: RUNX1 (RUNX family transcription factor 1; minus strand). Cytogenetic location: 21q22.12.
Variant type: single nucleotide variant.
Coding change: c.58+20G>A on transcript NM_001754.5 (MANE Select); 20 bases into the intron after coding-DNA position 58, G replaced by A.
Molecular consequence: intron variant.
Genome position (GRCh38, 1-based): chr21:35,048,822, C>T on the plus strand (G>A on the coding strand, the complement: RUNX1 is on the minus strand). VCF-style: chr21-35048822-C-T. GRCh37 (hg19) VCF-style: chr21-36421119-C-T.
Identifiers: ClinVar variation 1540087 (VCV001540087.9), dbSNP rs374862060, ClinGen allele CA320741226.

ClinVar aggregate classification (germline): Likely benign. Review status: reviewed by expert panel (3 of 4 stars). 2 submissions from 2 submitters: Likely benign (1). 1 of the submissions does not count toward it. Last evaluated 2025-01-15.

Conditions:
Hereditary thrombocytopenia and hematologic cancer predisposition syndrome. Identifiers: Orphanet 71290, MedGen CN281654, MONDO:0011071.
Hereditary thrombocytopenia and hematological cancer predisposition syndrome associated with RUNX1. Also called: RUNX1 Familial Platelet Disorder with Associated Myeloid Malignancies; Familial Platelet Disorder with Propensity to Acute Myelogenous Leukemia; Familial thrombocytopenia with propensity to acute myelogenous leukemia; PLATELET DISORDER, ASPIRIN-LIKE. Identifiers: Orphanet 71290, MedGen C1832388, MeSH C563324, MONDO:0100083, OMIM 601399.

gnomAD v4.1: 15 of 1,606,518 alleles (0.00093%); highest among the groups gnomAD compares: Non-Finnish European, 0.0013%; no homozygotes.

Submissions (2):

ClinGen Myeloid Malignancy Variant Curation Expert Panel
Classification: Likely benign for Hereditary thrombocytopenia and hematologic cancer predisposition syndrome. Last evaluated: 2025-01-15. Review status: reviewed by expert panel. Criteria: ClinGen MyeloMalig ACMG Specifications v2. Collection method: curation. Allele origin: germline. Inheritance: Autosomal dominant inheritance.
Comment: NM_001754.5(RUNX1):c.58+20G>A is an intronic variant which has a SpliceAI score ≤ 0.20 (0.01) (BP4). This variant has a SpliceAI score ≤ 0.20 (0.01) and evolutionary conservation prediction algorithms predict the site as not being conserved (PhyloP score ≤ 2.0 (0.84) (BP7). In summary, this variant meets criteria to be classified as likely benign. ACMG/AMP criteria applied, as specified by the Myeloid Malignancy Variant Curation Expert Panel for RUNX1: BP4, BP7.

Labcorp Genetics (formerly Invitae), Labcorp
Classification: Likely benign for Hereditary thrombocytopenia and hematological cancer predisposition syndrome associated with RUNX1. Last evaluated: 2021-11-18. Review status: criteria provided, single submitter. Criteria: Invitae Variant Classification Sherloc (09022015). Collection method: clinical testing. Allele origin: germline. Not counted in ClinVar's aggregate classification.